The following is an entry in ClinVar:

NM_181703.4(GJA5):c.772G>T (p.Val258Phe)

Genes: GJA5 (gap junction protein alpha 5; minus strand), LOC122128420 (Sharpr-MPRA regulatory region 3144; plus strand). Cytogenetic location: 1q21.2.
Variant type: single nucleotide variant.
Coding change: c.772G>T on transcript NM_181703.4 (MANE Select); coding-DNA position 772, G replaced by T.
Protein change: p.Val258Phe; replaces valine 258 with phenylalanine.
Molecular consequence: missense variant.
Genome position (GRCh38, 1-based): chr1:147,758,467, C>A on the plus strand (G>T on the coding strand, the complement: GJA5 is on the minus strand). VCF-style: chr1-147758467-C-A. GRCh37 (hg19) VCF-style: chr1-147230575-C-A.
Other names: c.772G>T, p.Val258Phe (NM_005266.7); short protein forms V258F.
Identifiers: ClinVar variation 2926287 (VCV002926287.3), dbSNP rs781896001, ClinGen allele CA1065711.

ClinVar aggregate classification (germline): Uncertain significance (1 of 4 stars; one submission).

Conditions:
Atrial standstill 1 (ATRST1). Also called: ATRIAL CARDIOMYOPATHY WITH HEART BLOCK; CARDIOMYOPATHY, FAMILIAL, WITH CONDUCTION DISTURBANCE; Atrial standstill, digenic (GJA5/SCN5A). Identifiers: Orphanet 1344, MedGen C4551959, MONDO:0007171, OMIM 108770.
Atrial fibrillation, familial, 11 (ATFB11). Identifiers: MedGen C3279693, MONDO:0013544, OMIM 614049.

Allele frequency attached by ClinVar (database versions not stated): gnomAD exomes below 0.00001; ExAC 0.00004.

Submission:

Labcorp Genetics (formerly Invitae), Labcorp
Classification: Uncertain significance for Atrial fibrillation, familial, 11; Atrial standstill 1. Last evaluated: 2023-03-13. Review status: criteria provided, single submitter. Criteria: Invitae Variant Classification Sherloc (09022015). Collection method: clinical testing. Allele origin: germline.
Comment: This variant has not been reported in the literature in individuals affected with GJA5-related conditions. In summary, the available evidence is currently insufficient to determine the role of this variant in disease. Therefore, it has been classified as a Variant of Uncertain Significance. Advanced modeling of protein sequence and biophysical properties (such as structural, functional, and spatial information, amino acid conservation, physicochemical variation, residue mobility, and thermodynamic stability) performed at Invitae indicates that this missense variant is not expected to disrupt GJA5 protein function. This variant is present in population databases (rs781896001, gnomAD 0.02%). This sequence change replaces valine, which is neutral and non-polar, with phenylalanine, which is neutral and non-polar, at codon 258 of the GJA5 protein (p.Val258Phe).